The following is an entry in ClinVar:

NC_000015.10:g.84817003C>G

Gene: ALPK3 (alpha kinase 3; plus strand). Cytogenetic location: 15q25.3.
Variant type: single nucleotide variant.
Genome position: GRCh38 VCF-style: chr15-84817003-C-G. GRCh37 (hg19) VCF-style: chr15-85360234-C-G.
Other names: short protein forms L53V.
Identifiers: ClinVar variation 1775649 (VCV001775649.6), dbSNP rs1963364611, ClinGen allele CA393368341.

ClinVar aggregate classification (germline): Uncertain significance. Review status: criteria provided, multiple submitters, no conflicts (2 of 4 stars). 2 submissions from 2 submitters: Uncertain significance (2). Last evaluated 2025-04-23.

Conditions:
Cardiovascular phenotype. Identifiers: MedGen CN230736.

Allele frequency attached by ClinVar (database versions not stated): TOPMed below 0.00001; gnomAD exomes below 0.00001.

Submissions (2):

Ambry Genetics
Classification: Uncertain significance for Cardiovascular phenotype. Last evaluated: 2025-04-23. Review status: criteria provided, single submitter. Criteria: Ambry Variant Classification Scheme 2023. Collection method: clinical testing. Allele origin: germline.
Comment: The p.L53V variant (also known as c.157C>G), located in coding exon 1 of the ALPK3 gene, results from a C to G substitution at nucleotide position 157. The leucine at codon 53 is replaced by valine, an amino acid with highly similar properties. This amino acid position is not well conserved in available vertebrate species. In addition, this alteration is predicted to be tolerated by in silico analysis. Since supporting evidence is limited at this time, the clinical significance of this alteration remains unclear.

Labcorp Genetics (formerly Invitae), Labcorp
Classification: Uncertain significance. Last evaluated: 2024-06-15. Review status: criteria provided, single submitter. Criteria: Invitae Variant Classification Sherloc (09022015). Collection method: clinical testing. Allele origin: germline.
Comment: This sequence change replaces leucine, which is neutral and non-polar, with valine, which is neutral and non-polar, at codon 53 of the ALPK3 protein (p.Leu53Val). This variant is not present in population databases (gnomAD no frequency). This variant has not been reported in the literature in individuals affected with ALPK3-related conditions. ClinVar contains an entry for this variant (Variation ID: 1775649). An algorithm developed to predict the effect of missense changes on protein structure and function (PolyPhen-2) suggests that this variant is likely to be tolerated. In summary, the available evidence is currently insufficient to determine the role of this variant in disease. Therefore, it has been classified as a Variant of Uncertain Significance.